The following is an entry in ClinVar:

ClinVar aggregate classification (germline): Likely pathogenic (1 of 4 stars; one submission).

Conditions:
Myoclonic epilepsy of Lafora 1 (MELF1). Also called: EPM2A-Related Lafora Disease; EPILEPSY, PROGRESSIVE MYOCLONIC, 2A; LAFORA DISEASE 1; Epilepsy, progressive myoclonic 2A (Lafora). Identifiers: MedGen CN377204, MONDO:0958199, OMIM 254780.

Submission:

Centre for Medical Genetics,  Mumbai
Classification: Likely pathogenic for Myoclonic epilepsy of Lafora 1. Last evaluated: 2026-04-21. Review status: criteria provided, single submitter. Criteria: ACMG Guidelines, 2015. Collection method: provider interpretation. Allele origin: germline. Inheritance: Autosomal recessive inheritance. Affected: yes. Observed: 1 variant allele, 1 compound heterozygote.
Comment: The variant satisfies PM1 criteria - non-truncating non-synonymous variant is located in a mutational hot spot and/or critical and well-established functional domain. The variant satisfies PM2 criteria - extremely low frequency in gnomAD population databases. The variant satisfies PP2 criteria - missense variant in a gene with low rate of benign missense mutations and for which missense mutation is a common mechanism of a disease. The variant satisfies PP3 criteria - for a missense or a splicing region variant, computational prediction tools unanimously support a deleterious effect on the gene. Hence, the variant should be considered a likely pathogenic variant for Myoclonic epilepsy of Lafora 1.

Literature cited by the submitters: PubMed 9771710.

NM_005670.4(EPM2A):c.299A>G (p.Glu100Gly)

Genes: EPM2A (EPM2A glucan phosphatase, laforin; minus strand), EPM2A-DT (EPM2A divergent transcript; plus strand), LOC129997381 (ATAC-STARR-seq lymphoblastoid silent region 17642; plus strand). Cytogenetic location: 6q24.3.
Variant type: single nucleotide variant.
Coding change: c.299A>G on transcript NM_005670.4 (MANE Select); coding-DNA position 299, A replaced by G.
Protein change: p.Glu100Gly; replaces glutamic acid 100 with glycine.
Molecular consequence: missense variant. On other transcripts: 5 prime UTR variant (2), intron variant (2).
Genome position (GRCh38, 1-based): chr6:145,735,200, T>C on the plus strand (A>G on the coding strand, the complement: EPM2A is on the minus strand). VCF-style: chr6-145735200-T-C. GRCh37 (hg19) VCF-style: chr6-146056336-T-C.
Other names: c.299A>G, p.Glu100Gly (NM_001018041.2, NM_001360057.2, NM_001368130.1); c.-371A>G (NM_001360071.2); c.-325A>G (NM_001368129.2); c.-114+708A>G (NM_001360064.2); c.-114+45A>G (NM_001368131.1); short protein forms E100G.
Identifiers: ClinVar variation 4852109 (VCV004852109.1).